The following is an entry in ClinVar:

NM_000603.5(NOS3):c.2945A>T (p.Gln982Leu)

Gene: NOS3 (nitric oxide synthase 3; plus strand). Cytogenetic location: 7q36.1.
Variant type: single nucleotide variant.
Coding change: c.2945A>T on transcript NM_000603.5 (MANE Select); coding-DNA position 2945, A replaced by T.
Protein change: p.Gln982Leu; replaces glutamine 982 with leucine.
Molecular consequence: missense variant.
Genome position (GRCh38, 1-based): chr7:151,010,947, A>T. VCF-style: chr7-151010947-A-T. GRCh37 (hg19) VCF-style: chr7-150708035-A-T.
Other names: short protein forms Q982L.
Identifiers: ClinVar variation 3050814 (VCV003050814.2), dbSNP rs3918234, ClinGen allele CA4567533.

ClinVar aggregate classification (germline): Likely benign (0 of 4 stars; one submission).

Conditions:
NOS3-related disorder. Also called: NOS3-related condition.

Allele frequency attached by ClinVar (database versions not stated): 1000 Genomes Project 30x 0.00031; 1000 Genomes Project 0.00040; ExAC 0.00122; ESP Exome Variant Server 0.00161; TOPMed 0.00165; gnomAD 0.00171; gnomAD exomes 0.00285.

Submission:

PreventionGenetics, part of Exact Sciences
Classification: Likely benign for NOS3-related condition. Last evaluated: 2022-11-07. Review status: no assertion criteria provided. Collection method: clinical testing. Allele origin: germline.
Comment: This variant is classified as likely benign based on ACMG/AMP sequence variant interpretation guidelines (Richards et al. 2015 PMID: 25741868, with internal and published modifications).